The following is an entry in ClinVar:

NM_004187.5(KDM5C):c.*2A>G

Gene: KDM5C (lysine demethylase 5C; minus strand). Cytogenetic location: Xp11.22.
Variant type: single nucleotide variant.
Coding change: c.*2A>G on transcript NM_004187.5 (MANE Select); 2 bases downstream of the stop codon, A replaced by G.
Molecular consequence: 3 prime UTR variant. On other transcripts: intron variant (5).
Genome position (GRCh38, 1-based): chrX:53,192,965, T>C on the plus strand (A>G on the coding strand, the complement: KDM5C is on the minus strand). VCF-style: chrX-53192965-T-C. GRCh37 (hg19) VCF-style: chrX-53222147-T-C.
Other names: c.*2A>G (NM_001282622.3, NM_001353978.3); c.4305+472A>G (NM_001353982.2); c.4314+472A>G (NM_001353979.2); c.4308+472A>G (NM_001353981.2, NM_001353984.2); c.4047-128A>G (NM_001146702.2).
Identifiers: ClinVar variation 4996197 (VCV004996197.1).

ClinVar aggregate classification (germline): Likely benign (1 of 4 stars; one submission).

Conditions:
KDM5C-related disorder. Also called: KDM5C-related condition.

Submission:

PreventionGenetics, part of Exact Sciences
Classification: Likely benign for KDM5C-related condition. Last evaluated: 2026-05-19. Review status: criteria provided, single submitter. Criteria: ACMG Guidelines, 2015. Collection method: clinical testing. Allele origin: germline.
Comment: This variant is classified as likely benign based on ACMG/AMP sequence variant interpretation guidelines (Richards et al. 2015 PMID: 25741868, with internal and published modifications).